The following is an entry in ClinVar:

ClinVar aggregate classification (germline): Benign (1 of 4 stars; one submission).

Allele frequency attached by ClinVar (database versions not stated): gnomAD 0.03646 and 0.03727; TOPMed 0.04172; 1000 Genomes Project 0.05092; 1000 Genomes Project 30x 0.05262.

Submission:

GeneDx
Classification: Benign. Last evaluated: 2018-06-19. Review status: criteria provided, single submitter. Criteria: GeneDx Variant Classification (06012015). Collection method: clinical testing. Allele origin: germline. Affected: yes.
Comment: This variant is considered likely benign or benign based on one or more of the following criteria: it is a conservative change, it occurs at a poorly conserved position in the protein, it is predicted to be benign by multiple in silico algorithms, and/or has population frequency not consistent with disease.

NM_007078.3(LDB3):c.1232-278G>A

Gene: LDB3 (LIM domain binding 3; plus strand). Cytogenetic location: 10q23.2.
Variant type: single nucleotide variant.
Coding change: c.1232-278G>A on transcript NM_007078.3 (MANE Select); 278 bases into the intron before coding-DNA position 1232, G replaced by A.
Molecular consequence: intron variant.
Genome position (GRCh38, 1-based): chr10:86,716,049, G>A. VCF-style: chr10-86716049-G-A. GRCh37 (hg19) VCF-style: chr10-88475806-G-A.
Other names: c.1043-278G>A (NM_001368064.1, NM_001368065.1); c.1247-278G>A (NM_001171610.2); c.1091-278G>A (NM_001368066.1); c.902-278G>A (NM_001080114.2).
Identifiers: ClinVar variation 669540 (VCV000669540.1), dbSNP rs12218053, ClinGen allele CA16397090.